The following is an entry in ClinVar:

ClinVar aggregate classification (germline): Benign. Review status: criteria provided, multiple submitters, no conflicts (2 of 4 stars). 2 submissions from 2 submitters: Benign (2). Last evaluated 2018-01-13.

Conditions:
Parkinson disease 13, autosomal dominant, susceptibility to. Identifiers: Orphanet 2828, MedGen C1853202, MONDO:0012466, OMIM 610297.

Allele frequency attached by ClinVar (database versions not stated): TOPMed 0.02302; 1000 Genomes Project 0.02316; gnomAD 0.02157 and 0.02253; 1000 Genomes Project 30x 0.02405.
gnomAD v4.1: 6,247 of 549,442 alleles (1.1%); highest among the groups gnomAD compares: African/African-American, 6.1%; 139 homozygotes.

Submissions (2):

Illumina Laboratory Services, Illumina
Classification: Benign for Parkinson disease 13, autosomal dominant, susceptibility to. Last evaluated: 2018-01-13. Review status: criteria provided, single submitter. Criteria: ICSL Variant Classification Criteria 13 December 2019. Collection method: clinical testing. Allele origin: germline.
Comment: This variant was observed in the ICSL laboratory as part of a predisposition screen in an ostensibly healthy population. It had not been previously curated by ICSL or reported in the Human Gene Mutation Database (HGMD: prior to June 1st, 2018), and was therefore a candidate for classification through an automated scoring system. Utilizing variant allele frequency, disease prevalence and penetrance estimates, and inheritance mode, an automated score was calculated to assess if this variant is too frequent to cause the disease. Based on the score and internal cut-off values, a variant classified as benign is not then subjected to further curation. The score for this variant resulted in a classification of benign for this disease.

Breakthrough Genomics
Classification: Benign. Review status: criteria provided, single submitter. Criteria: ACMG Guidelines, 2015. Collection method: not provided. Allele origin: germline. Inheritance: Autosomal recessive inheritance. Affected: yes.

NM_013247.4(HTRA2):c.*384C>A

Genes: HTRA2 (HtrA serine peptidase 2; plus strand), LOXL3 (lysyl oxidase like 3; minus strand). Cytogenetic location: 2p13.1.
Variant type: single nucleotide variant.
Coding change: c.*384C>A on transcript NM_013247.4; 384 bases downstream of the stop codon, C replaced by A.
Molecular consequence: 3 prime UTR variant (on NM_032603.5). On other transcripts: non-coding transcript variant (4).
Genome position (GRCh38, 1-based): chr2:74,533,369, C>A. VCF-style: chr2-74533369-C-A. GRCh37 (hg19) VCF-style: chr2-74760496-C-A.
Other names: c.*384C>A (NM_001321727.1, NM_001321728.1, NM_145074.2); c.*237G>T (NM_001289164.3, NM_001289165.2, NM_032603.5).
Identifiers: ClinVar variation 337142 (VCV000337142.8), dbSNP rs71640295, ClinGen allele CA10616098.
Genomic context (GRCh38, chr2:74,533,369, plus strand): 5'-AGCTGCTGCCATCTTTTGTGGGCAGTTAGTCAGGTGCTGCTCTTTGTGGTGTGGTGGGCT[C>A]TGGTCTGTTCTGCTCGGTGCTGGGCCTGGGAGCAAAGATTCCCATGCTTGGCTACAGATA-3'